The following is an entry in ClinVar:

ClinVar aggregate classification (germline): Uncertain significance (1 of 4 stars; one submission).

Submission:

Labcorp Genetics (formerly Invitae), Labcorp
Classification: Uncertain significance. Last evaluated: 2022-07-26. Review status: criteria provided, single submitter. Criteria: Invitae Variant Classification Sherloc (09022015). Collection method: clinical testing. Allele origin: germline.
Comment: This sequence change replaces proline, which is neutral and non-polar, with leucine, which is neutral and non-polar, at codon 1431 of the PCDH15 protein (p.Pro1431Leu). In summary, the available evidence is currently insufficient to determine the role of this variant in disease. Therefore, it has been classified as a Variant of Uncertain Significance. Algorithms developed to predict the effect of missense changes on protein structure and function are either unavailable or do not agree on the potential impact of this missense change (SIFT: "Tolerated"; PolyPhen-2: "Possibly Damaging"; Align-GVGD: "Class C0"). ClinVar contains an entry for this variant (Variation ID: 1386499). This variant has not been reported in the literature in individuals affected with PCDH15-related conditions. This variant is not present in population databases (gnomAD no frequency).

NM_001384140.1(PCDH15):c.4292C>T (p.Pro1431Leu)

Gene: PCDH15 (protocadherin related 15; minus strand). Cytogenetic location: 10q21.1.
Variant type: single nucleotide variant.
Coding change: c.4292C>T on transcript NM_001384140.1 (MANE Select); coding-DNA position 4292, C replaced by T.
Protein change: p.Pro1431Leu; replaces proline 1431 with leucine.
Molecular consequence: missense variant.
Genome position (GRCh38, 1-based): chr10:53,827,468, G>A on the plus strand (C>T on the coding strand, the complement: PCDH15 is on the minus strand). VCF-style: chr10-53827468-G-A. GRCh37 (hg19) VCF-style: chr10-55587228-G-A.
Other names: c.4307C>T, p.Pro1436Leu (NM_001142763.2, NM_001142771.2); c.4292C>T, p.Pro1431Leu (NM_001142764.2, NM_001142770.3, NM_001142772.2 and 3 more transcripts); c.4079C>T, p.Pro1360Leu (NM_001142765.2); c.4283C>T, p.Pro1428Leu (NM_001142766.2); c.4172C>T, p.Pro1391Leu (NM_001142767.2); c.4226C>T, p.Pro1409Leu (NM_001142768.2, NM_001354404.2); c.4328C>T, p.Pro1443Leu (NM_001142769.4); c.4217C>T, p.Pro1406Leu (NM_001142773.2); and 1 more; short protein forms P1431L, P1443L, P1360L, P1391L, P1428L, P1436L, P1406L, P1409L.
Identifiers: ClinVar variation 1386499 (VCV001386499.6), dbSNP rs2132578931, ClinGen allele CA376527694.